The following is an entry in ClinVar:

NM_001385193.1(CLEC18B):c.60C>G (p.Leu20=)

Gene: CLEC18B (C-type lectin domain family 18 member B; minus strand). Cytogenetic location: 16q23.1.
Variant type: single nucleotide variant.
Coding change: c.60C>G on transcript NM_001385193.1 (MANE Select); coding-DNA position 60, C replaced by G.
Protein change: p.Leu20=; no amino-acid change (leucine 20 retained).
Molecular consequence: synonymous variant.
Genome position (GRCh38, 1-based): chr16:74,421,211, G>C on the plus strand (C>G on the coding strand, the complement: CLEC18B is on the minus strand). VCF-style: chr16-74421211-G-C. GRCh37 (hg19) VCF-style: chr16-74455109-G-C.
Other names: c.60C>G, p.Leu20= (NM_001011880.3, NM_001385192.1, NM_001385194.1 and 1 more transcripts).
Identifiers: ClinVar variation 2672654 (VCV002672654.23), dbSNP rs375542401, ClinGen allele CA8167594.

ClinVar aggregate classification (germline): Likely benign (1 of 4 stars; one submission).

Allele frequency attached by ClinVar (database versions not stated): ExAC 0.00006; ESP Exome Variant Server 0.00008.
gnomAD v4.1: 96 of 1,609,794 alleles (0.006%); highest among the groups gnomAD compares: Middle Eastern, 0.045%; 1 homozygote.

Submission:

CeGaT Center for Human Genetics Tuebingen
Classification: Likely benign. Last evaluated: 2023-11-01. Review status: criteria provided, single submitter. Criteria: CeGaT Center For Human Genetics Tuebingen Variant Classification Criteria Version 2. Collection method: clinical testing. Allele origin: germline. Affected: yes. Observed: 1 variant allele.
Comment: CLEC18B: BP4, BP7